The following is an entry in ClinVar:

ClinVar aggregate classification (germline): Uncertain significance (1 of 4 stars; one submission).

Submission:

Dasa
Classification: Uncertain significance. Last evaluated: 2025-12-16. Review status: criteria provided, single submitter. Criteria: DASA Assertion Criteria. Collection method: clinical testing. Allele origin: germline.
Comment: NM_003491.4(NAA10):c.533_544del (p.Asn178_Glu181del) is an in-frame deletion predicted to remove amino acids from asparagine at protein position 178 through glutamic acid at protein position 181 without shifting the reading frame. This variant is absent from population databases. The currently available literature and clinical evidence are not sufficient to establish a definitive association between this variant and the reported condition. Therefore, this variant is classified as a variant of uncertain significance.

NM_003491.4(NAA10):c.533_544del (p.Asn178_Glu181del)

Gene: NAA10 (N-alpha-acetyltransferase 10, NatA catalytic subunit; minus strand). Cytogenetic location: Xq28.
Variant type: Deletion.
Coding change: c.533_544del on transcript NM_003491.4 (MANE Select); coding-DNA positions 533 to 544, 12 bases deleted (ACAAGGTGGAGA).
Protein change: p.Asn178_Glu181del.
Molecular consequence: inframe deletion.
Genome position (GRCh38, 1-based): chrX:153,930,151-153,930,162, TCTCCACCTTGT deleted on the plus strand (ACAAGGTGGAGA on the coding strand, the reverse complement: NAA10 is on the minus strand); deleting any 12 consecutive bases within chrX:153,930,151-153,930,166 gives the same sequence; the c. name uses the placement nearest the transcript's 3' end. VCF-style (leftmost placement, unchanged base first): chrX-153930150-CTCTCCACCTTGT-C. GRCh37 (hg19) VCF-style: chrX-153195603-CTCTCCACCTTGT-C.
Other names: c.488_499del, p.Asn163_Glu166del (NM_001256119.2); c.515_526del, p.Asn172_Glu175del (NM_001256120.2).
Identifiers: ClinVar variation 4884118 (VCV004884118.2).